The following is an entry in ClinVar:

NM_014264.5(PLK4):c.580G>A (p.Val194Ile)

Gene: PLK4 (polo like kinase 4; plus strand). Cytogenetic location: 4q28.1.
Variant type: single nucleotide variant.
Coding change: c.580G>A on transcript NM_014264.5 (MANE Select); coding-DNA position 580, G replaced by A.
Protein change: p.Val194Ile; replaces valine 194 with isoleucine.
Molecular consequence: missense variant.
Genome position (GRCh38, 1-based): chr4:127,885,950, G>A. VCF-style: chr4-127885950-G-A. GRCh37 (hg19) VCF-style: chr4-128807105-G-A.
Other names: c.484G>A, p.Val162Ile (NM_001190799.2); c.457G>A, p.Val153Ile (NM_001190801.2); short protein forms V153I, V162I, V194I.
Identifiers: ClinVar variation 1016381 (VCV001016381.5), dbSNP rs771165941, ClinGen allele CA105636685.
Genomic context (GRCh38, chr4:127,885,950, plus strand): 5'-ACTCCTAACTACATTTCACCAGAAATTGCCACTCGAAGTGCACATGGCCTTGAATCTGAT[G>A]TTTGGTCCCTGGGCTGTATGTTTTATACATTACTTATCGGGAGACCACCCTTCGACACTG-3'
Protein context (NP_055079.3, residues 184-204): TRSAHGLESD[Val194Ile]WSLGCMFYTL

ClinVar aggregate classification (germline): Uncertain significance (1 of 4 stars; one submission).

Allele frequency attached by ClinVar (database versions not stated): gnomAD exomes below 0.00001; gnomAD 0.00001.
gnomAD v4.1: 7 of 1,614,168 alleles (0.00043%); highest among the groups gnomAD compares: East Asian, 0.0022%; no homozygotes.

Submission:

Labcorp Genetics (formerly Invitae), Labcorp
Classification: Uncertain significance. Last evaluated: 2022-06-13. Review status: criteria provided, single submitter. Criteria: Invitae Variant Classification Sherloc (09022015). Collection method: clinical testing. Allele origin: germline.
Comment: In summary, the available evidence is currently insufficient to determine the role of this variant in disease. Therefore, it has been classified as a Variant of Uncertain Significance. Algorithms developed to predict the effect of missense changes on protein structure and function output the following: SIFT: "Tolerated"; PolyPhen-2: "Benign"; Align-GVGD: "Class C0". The isoleucine amino acid residue is found in multiple mammalian species, which suggests that this missense change does not adversely affect protein function. ClinVar contains an entry for this variant (Variation ID: 1016381). This variant has not been reported in the literature in individuals affected with PLK4-related conditions. This variant is not present in population databases (gnomAD no frequency). This sequence change replaces valine, which is neutral and non-polar, with isoleucine, which is neutral and non-polar, at codon 194 of the PLK4 protein (p.Val194Ile).